The following is an entry in ClinVar:

ClinVar aggregate classification (germline): Likely benign. Review status: criteria provided, multiple submitters, no conflicts (2 of 4 stars). 2 submissions from 2 submitters: Likely benign (2). Last evaluated 2023-12-09.

Conditions:
Developmental and epileptic encephalopathy, 31A. Also called: Developmental and epileptic encephalopathy, 31; Epileptic encephalopathy, early infantile, 31. Identifiers: Orphanet 2382, MedGen C4225357, MONDO:0014598, OMIM 616346.

Allele frequency attached by ClinVar (database versions not stated): TOPMed 0.00002.
gnomAD v4.1: 3 of 1,607,730 alleles (0.00019%); highest among the groups gnomAD compares: African/African-American, 0.0027%; no homozygotes.

Submissions (2):

Labcorp Genetics (formerly Invitae), Labcorp
Classification: Likely benign for Developmental and epileptic encephalopathy, 31A. Last evaluated: 2023-12-09. Review status: criteria provided, single submitter. Criteria: Invitae Variant Classification Sherloc (09022015). Collection method: clinical testing. Allele origin: germline.

GeneDx
Classification: Likely benign. Last evaluated: 2017-04-06. Review status: criteria provided, single submitter. Criteria: GeneDx Variant Classification (06012015). Collection method: clinical testing. Allele origin: germline. Affected: yes.
Comment: This variant is considered likely benign or benign based on one or more of the following criteria: it is a conservative change, it occurs at a poorly conserved position in the protein, it is predicted to be benign by multiple in silico algorithms, and/or has population frequency not consistent with disease.

NM_004408.4(DNM1):c.2271C>T (p.Pro757=)

Genes: DNM1 (dynamin 1; plus strand), LOC130002698 (ATAC-STARR-seq lymphoblastoid silent region 20332; plus strand). Cytogenetic location: 9q34.11.
Variant type: single nucleotide variant.
Coding change: c.2271C>T on transcript NM_004408.4 (MANE Select); coding-DNA position 2271, C replaced by T.
Protein change: p.Pro757=; no amino-acid change (proline 757 retained).
Molecular consequence: synonymous variant.
Genome position (GRCh38, 1-based): chr9:128,250,309, C>T. VCF-style: chr9-128250309-C-T. GRCh37 (hg19) VCF-style: chr9-131012588-C-T.
Other names: c.2271C>T, p.Pro757= (NM_001005336.3, NM_001288737.2, NM_001288738.2 and 1 more transcripts).
Identifiers: ClinVar variation 508660 (VCV000508660.4), dbSNP rs762520472, ClinGen allele CA5258442.
Genomic context (GRCh38, chr9:128,250,309, plus strand): 5'-GGCGCTCAGCATCATCGGCGACATCAACACGACCACCGTCAGCACGCCCATGCCCCCGCC[C>T]GTGGACGACTCCTGGCTGCAGGTGCAGAGCGTACCGGCCGGACGCAGGTACCAGGGCCGG-3'
Protein context (NP_004399.2, residues 747-767): TTTVSTPMPP[Pro757=]VDDSWLQVQS